The following is an entry in ClinVar:

NM_001377.3(DYNC2H1):c.*265C>T

Gene: DYNC2H1 (dynein cytoplasmic 2 heavy chain 1; plus strand). Cytogenetic location: 11q22.3.
Variant type: single nucleotide variant.
Coding change: c.*265C>T on transcript NM_001377.3 (MANE Select); 265 bases downstream of the stop codon, C replaced by T.
Molecular consequence: 3 prime UTR variant.
Genome position (GRCh38, 1-based): chr11:103,479,518, C>T. VCF-style: chr11-103479518-C-T. GRCh37 (hg19) VCF-style: chr11-103350246-C-T.
Other names: c.*265C>T (NM_001080463.2).
Identifiers: ClinVar variation 302133 (VCV000302133.8), dbSNP rs78537620, ClinGen allele CA10637370.
Genomic context (GRCh38, chr11:103,479,518, plus strand): 5'-CAGAGTATTCTTTTGACAACATTAAATATTTCTGTGAGAAAGTTCACTTTTCCAGTGGCT[C>T]AAAAATTTGTTTTAGGTCAGAGATTTTAAGTGGTATATTAACCAATAATAAATATTTTGG-3'

ClinVar aggregate classification (germline): Benign/Likely benign. Review status: criteria provided, multiple submitters, no conflicts (2 of 4 stars). 2 submissions from 2 submitters: Benign (1); Likely benign (1). Last evaluated 2018-11-22.

Conditions:
Asphyxiating thoracic dystrophy 3. Also called: Saldino-Noonan Syndrome; SHORT-RIB THORACIC DYSPLASIA 3 WITH OR WITHOUT POLYDACTYLY; POLYDACTYLY WITH NEONATAL CHONDRODYSTROPHY, TYPE I; SHORT-RIB THORACIC DYSPLASIA 3/6 WITH POLYDACTYLY, DIGENIC; Short rib polydactyly syndrome 2B. Identifiers: Orphanet 474, Orphanet 93269, Orphanet 93270, Orphanet 93271, MedGen C0036069, MONDO:0013127, OMIM 613091.

Allele frequency attached by ClinVar (database versions not stated): 1000 Genomes Project 0.01577; gnomAD exomes 0.00217; gnomAD 0.01600 and 0.01499; TOPMed 0.01650; 1000 Genomes Project 30x 0.01702.

Submissions (2):

GeneDx
Classification: Benign. Last evaluated: 2018-11-22. Review status: criteria provided, single submitter. Criteria: GeneDx Variant Classification Process June 2021. Collection method: clinical testing. Allele origin: germline. Affected: yes.

Illumina Laboratory Services, Illumina
Classification: Likely benign for Asphyxiating thoracic dystrophy 3. Last evaluated: 2017-04-27. Review status: criteria provided, single submitter. Criteria: ICSL Variant Classification Criteria 13 December 2019. Collection method: clinical testing. Allele origin: germline.
Comment: This variant was observed as part of a predisposition screen in an ostensibly healthy population. A literature search was performed for the gene, cDNA change, and amino acid change (where applicable). No publications were found based on this search. Allele frequency data from public databases allowed determination this variant is unlikely to cause disease. Therefore, this variant is classified as likely benign.